The following is an entry in ClinVar:

NM_001903.5(CTNNA1):c.640C>G (p.Leu214Val)

Gene: CTNNA1 (catenin alpha 1; plus strand). Cytogenetic location: 5q31.2.
Variant type: single nucleotide variant.
Coding change: c.640C>G on transcript NM_001903.5 (MANE Select); coding-DNA position 640, C replaced by G.
Protein change: p.Leu214Val; replaces leucine 214 with valine.
Molecular consequence: missense variant.
Genome position (GRCh38, 1-based): chr5:138,824,581, C>G. VCF-style: chr5-138824581-C-G. GRCh37 (hg19) VCF-style: chr5-138160270-C-G.
Other names: c.640C>G, p.Leu214Val (NM_001290307.3, NM_001323982.2, NM_001323983.1 and 3 more transcripts); c.331C>G, p.Leu111Val (NM_001290309.3); c.271C>G, p.Leu91Val (NM_001290310.3); short protein forms L111V, L214V, L91V.
Identifiers: ClinVar variation 1753368 (VCV001753368.2), dbSNP rs2532423702, ClinGen allele CA361129548.

ClinVar aggregate classification (germline): Uncertain significance (1 of 4 stars; one submission).

Conditions:
Hereditary cancer-predisposing syndrome. Also called: Neoplastic Syndromes, Hereditary; Tumor predisposition; Hereditary Cancer Syndrome; Hereditary neoplastic syndrome. Identifiers: Orphanet 140162, MedGen C0027672, MeSH D009386, MONDO:0015356.

Submission:

Ambry Genetics
Classification: Uncertain significance for Hereditary cancer-predisposing syndrome. Last evaluated: 2022-02-05. Review status: criteria provided, single submitter. Criteria: Ambry Variant Classification Scheme 2023. Collection method: clinical testing. Allele origin: germline.
Comment: The p.L214V variant (also known as c.640C>G), located in coding exon 5 of the CTNNA1 gene, results from a C to G substitution at nucleotide position 640. The leucine at codon 214 is replaced by valine, an amino acid with highly similar properties. This amino acid position is conserved. In addition, this alteration is predicted to be deleterious by in silico analysis. Since supporting evidence is limited at this time, the clinical significance of this alteration remains unclear.